The following is an entry in ClinVar:

NM_006231.4(POLE):c.4564C>T (p.Gln1522Ter)

Gene: POLE (DNA polymerase epsilon, catalytic subunit; minus strand). Cytogenetic location: 12q24.33.
Variant type: single nucleotide variant.
Coding change: c.4564C>T on transcript NM_006231.4 (MANE Select); coding-DNA position 4564, C replaced by T.
Protein change: p.Gln1522Ter; replaces glutamine 1522 with a stop codon.
Molecular consequence: nonsense.
Genome position (GRCh38, 1-based): chr12:132,642,984, G>A on the plus strand (C>T on the coding strand, the complement: POLE is on the minus strand). VCF-style: chr12-132642984-G-A. GRCh37 (hg19) VCF-style: chr12-133219570-G-A.
Other names: c.4564C>T (NM_006231.2); short protein forms Q1522*.
Identifiers: ClinVar variation 2908062 (VCV002908062.4), dbSNP rs2138543250, ClinGen allele CA387379335.

ClinVar aggregate classification (germline): Conflicting classifications of pathogenicity. Review status: criteria provided, conflicting classifications (1 of 4 stars). 2 submissions from 2 submitters: Pathogenic (1); Uncertain significance (1). Last evaluated 2026-02-24.

Conditions:
Hereditary cancer-predisposing syndrome. Also called: Tumor predisposition; Neoplastic Syndromes, Hereditary; Hereditary Cancer Syndrome; Hereditary neoplastic syndrome. Identifiers: Orphanet 140162, MedGen C0027672, MeSH D009386, MONDO:0015356.

Allele frequency attached by ClinVar (database versions not stated): gnomAD exomes below 0.00001.
gnomAD v4.1: 2 of 1,593,444 alleles (0.00013%); highest among the groups gnomAD compares: Non-Finnish European, 0.00017%; no homozygotes.

Submissions (2):

Ambry Genetics
Classification: Uncertain significance for Hereditary cancer-predisposing syndrome. Last evaluated: 2026-02-24. Review status: criteria provided, single submitter. Criteria: Ambry Variant Classification Scheme 2023. Collection method: clinical testing. Allele origin: germline.
Comment: The p.Q1522* variant (also known as c.4564C>T), located in coding exon 36 of the POLE gene, results from a C to T substitution at nucleotide position 4564. This changes the amino acid from a glutamine to a stop codon within coding exon 36. This alteration is expected to result in loss of function by premature protein truncation or nonsense-mediated mRNA decay. Although biallelic loss of function of POLE has been associated with autosomal recessive POLE deficiency, haploinsufficiency of POLE has not been established as a mechanism of disease for POLE-related polymerase proofreading-associated polyposis (PPAP) and POLE-related CMMRD-like syndrome. Based on the supporting evidence, this variant is expected to be causative of POLE deficiency when present along with a second pathogenic variant on the other allele; however, its clinical significance for PPAP and POLE-related CMMRD-like syndrome is unclear.

Labcorp Genetics (formerly Invitae), Labcorp
Classification: Pathogenic. Last evaluated: 2023-05-08. Review status: criteria provided, single submitter. Criteria: Invitae Variant Classification Sherloc (09022015). Collection method: clinical testing. Allele origin: germline.
Comment: For these reasons, this variant has been classified as Pathogenic. This variant has not been reported in the literature in individuals affected with POLE-related conditions. This variant is not present in population databases (gnomAD no frequency). This sequence change creates a premature translational stop signal (p.Gln1522*) in the POLE gene. It is expected to result in an absent or disrupted protein product. Loss-of-function variants in POLE are known to be pathogenic (PMID: 23230001, 25948378, 30503519).

Literature cited by the submitters: PubMed 23230001 (cited by Labcorp Genetics (formerly Invitae), Labcorp); PubMed 25948378 (cited by Labcorp Genetics (formerly Invitae), Labcorp); PubMed 30503519 (cited by Labcorp Genetics (formerly Invitae), Labcorp).